The following is an entry in ClinVar:

ClinVar aggregate classification (germline): Uncertain significance. Review status: criteria provided, multiple submitters, no conflicts (2 of 4 stars). 2 submissions from 2 submitters: Uncertain significance (2). Last evaluated 2025-06-18.

Submissions (2):

Labcorp Genetics (formerly Invitae), Labcorp
Classification: Uncertain significance. Last evaluated: 2025-06-18. Review status: criteria provided, single submitter. Criteria: Invitae Variant Classification Sherloc (09022015). Collection method: clinical testing. Allele origin: germline.
Comment: This sequence change replaces proline, which is neutral and non-polar, with leucine, which is neutral and non-polar, at codon 430 of the ADGRB2 protein (p.Pro430Leu). This variant is present in population databases (rs375380188, gnomAD 0.01%). This variant has not been reported in the literature in individuals affected with ADGRB2-related conditions. ClinVar contains an entry for this variant (Variation ID: 3270584). An algorithm developed to predict the effect of missense changes on protein structure and function (PolyPhen-2) suggests that this variant is likely to be disruptive. In summary, the available evidence is currently insufficient to determine the role of this variant in disease. Therefore, it has been classified as a Variant of Uncertain Significance.

Ambry Genetics
Classification: Uncertain significance. Last evaluated: 2024-04-23. Review status: criteria provided, single submitter. Criteria: Ambry Variant Classification Scheme 2023. Collection method: clinical testing. Allele origin: germline.

NM_001364857.2(ADGRB2):c.1289C>T (p.Pro430Leu)

Gene: ADGRB2 (adhesion G protein-coupled receptor B2; minus strand). Cytogenetic location: 1p35.2.
Variant type: single nucleotide variant.
Coding change: c.1289C>T on transcript NM_001364857.2 (MANE Select); coding-DNA position 1289, C replaced by T.
Protein change: p.Pro430Leu; replaces proline 430 with leucine.
Molecular consequence: missense variant.
Genome position (GRCh38, 1-based): chr1:31,742,181, G>A on the plus strand (C>T on the coding strand, the complement: ADGRB2 is on the minus strand). VCF-style: chr1-31742181-G-A. GRCh37 (hg19) VCF-style: chr1-32207782-G-A.
Other names: c.1289C>T (NM_001703.2); c.1289C>T, p.Pro430Leu (NM_001294335.2, NM_001294336.2); short protein forms P430L.
Identifiers: ClinVar variation 3270584 (VCV003270584.2).